The following is an entry in ClinVar:

ClinVar aggregate classification (germline): Uncertain significance. Review status: criteria provided, multiple submitters, no conflicts (2 of 4 stars). 2 submissions from 2 submitters: Uncertain significance (2). Last evaluated 2023-03-29.

Allele frequency attached by ClinVar (database versions not stated): gnomAD exomes 0.00001 and 0.00004; gnomAD 0.00003; ExAC 0.00004; TOPMed 0.00005.
gnomAD v4.1: 16 of 1,612,758 alleles (0.00099%); highest among the groups gnomAD compares: African/African-American, 0.017%; no homozygotes.

Submissions (2):

GeneDx
Classification: Uncertain significance. Last evaluated: 2023-03-29. Review status: criteria provided, single submitter. Criteria: GeneDx Variant Classification Process June 2021. Collection method: clinical testing. Allele origin: germline. Affected: yes.
Comment: In silico analysis supports that this missense variant does not alter protein structure/function; Has not been previously published as pathogenic or benign to our knowledge

Labcorp Genetics (formerly Invitae), Labcorp
Classification: Uncertain significance. Last evaluated: 2022-02-10. Review status: criteria provided, single submitter. Criteria: Invitae Variant Classification Sherloc (09022015). Collection method: clinical testing. Allele origin: germline.
Comment: This variant has not been reported in the literature in individuals affected with SLITRK6-related conditions. This variant is present in population databases (rs760317492, gnomAD 0.06%). This sequence change replaces threonine, which is neutral and polar, with isoleucine, which is neutral and non-polar, at codon 322 of the SLITRK6 protein (p.Thr322Ile). Algorithms developed to predict the effect of missense changes on protein structure and function are either unavailable or do not agree on the potential impact of this missense change (SIFT: "Deleterious"; PolyPhen-2: "Possibly Damaging"; Align-GVGD: "Class C0"). In summary, the available evidence is currently insufficient to determine the role of this variant in disease. Therefore, it has been classified as a Variant of Uncertain Significance.

NM_032229.3(SLITRK6):c.965C>T (p.Thr322Ile)

Gene: SLITRK6 (SLIT and NTRK like family member 6; minus strand). Cytogenetic location: 13q31.1.
Variant type: single nucleotide variant.
Coding change: c.965C>T on transcript NM_032229.3 (MANE Select); coding-DNA position 965, C replaced by T.
Protein change: p.Thr322Ile; replaces threonine 322 with isoleucine.
Molecular consequence: missense variant.
Genome position (GRCh38, 1-based): chr13:85,795,544, G>A on the plus strand (C>T on the coding strand, the complement: SLITRK6 is on the minus strand). VCF-style: chr13-85795544-G-A. GRCh37 (hg19) VCF-style: chr13-86369679-G-A.
Other names: c.965C>T (NM_032229.2); short protein forms T322I.
Identifiers: ClinVar variation 1399726 (VCV001399726.8), dbSNP rs760317492, ClinGen allele CA7015193.